The following is an entry in ClinVar:

NM_004456.5(EZH2):c.1215G>C (p.Lys405Asn)

Gene: EZH2 (enhancer of zeste 2 polycomb repressive complex 2 subunit; minus strand). Cytogenetic location: 7q36.1.
Variant type: single nucleotide variant.
Coding change: c.1215G>C on transcript NM_004456.5 (MANE Select); coding-DNA position 1215, G replaced by C.
Protein change: p.Lys405Asn; replaces lysine 405 with asparagine.
Molecular consequence: missense variant.
Genome position (GRCh38, 1-based): chr7:148,817,902, C>G on the plus strand (G>C on the coding strand, the complement: EZH2 is on the minus strand). VCF-style: chr7-148817902-C-G. GRCh37 (hg19) VCF-style: chr7-148514994-C-G.
Other names: c.1200G>C, p.Lys400Asn (NM_001203247.2); c.1173G>C, p.Lys391Asn (NM_001203248.2, NM_001203249.2); c.1083G>C, p.Lys361Asn (NM_152998.3); short protein forms K405N, K391N, K400N, K361N.
Identifiers: ClinVar variation 2701425 (VCV002701425.3), dbSNP rs2536679549, ClinGen allele CA369715916.
Genomic context (GRCh38, chr7:148,817,902, plus strand): 5'-AGAACAGTAAAACCCAGTTATTAGACGTGTCTTACCAGAGGAGCTCGAAGTTTCATCTTT[C>G]TTCTCTTCTTCTTCTTTATCATTGTTCTCTCCCCCCGTTTCAGTCCCTGCTTCCCTATCA-3'
Protein context (NP_004447.2, residues 395-415): GENNDKEEEE[Lys405Asn]KDETSSSSEA

ClinVar aggregate classification (germline): Uncertain significance (1 of 4 stars; one submission).

Conditions:
Weaver syndrome (WVS). Also called: Weaver Smith syndrome; Overgrowth syndrome with accelerated skeletal maturation, unusual facies, and camptodactyly. Identifiers: Orphanet 3447, MedGen C0265210, MONDO:0010193, OMIM 277590.

Submission:

Labcorp Genetics (formerly Invitae), Labcorp
Classification: Uncertain significance for Weaver syndrome. Last evaluated: 2025-02-09. Review status: criteria provided, single submitter. Criteria: Invitae Variant Classification Sherloc (09022015). Collection method: clinical testing. Allele origin: germline.
Comment: This sequence change replaces lysine, which is basic and polar, with asparagine, which is neutral and polar, at codon 405 of the EZH2 protein (p.Lys405Asn). This variant is not present in population databases (gnomAD no frequency). This variant has not been reported in the literature in individuals affected with EZH2-related conditions. ClinVar contains an entry for this variant (Variation ID: 2701425). An algorithm developed to predict the effect of missense changes on protein structure and function (PolyPhen-2) suggests that this variant is likely to be disruptive. In summary, the available evidence is currently insufficient to determine the role of this variant in disease. Therefore, it has been classified as a Variant of Uncertain Significance.